The following is an entry in ClinVar:

ClinVar aggregate classification (germline): Pathogenic (1 of 4 stars; one submission).

Submission:

GeneDx
Classification: Pathogenic. Last evaluated: 2019-10-21. Review status: criteria provided, single submitter. Criteria: GeneDx Variant Classification Process June 2021. Collection method: clinical testing. Allele origin: germline. Affected: yes.
Comment: Canonical splice site variant predicted to result in an in-frame deletion of a critical region; Not observed in large population cohorts (Lek et al., 2016); Has not been previously published as pathogenic or benign to our knowledge

NM_000218.3(KCNQ1):c.922-1G>A

Gene: KCNQ1 (potassium voltage-gated channel subfamily Q member 1; plus strand). Cytogenetic location: 11p15.5.
Variant type: single nucleotide variant.
Coding change: c.922-1G>A on transcript NM_000218.3 (MANE Select); the canonical splice acceptor site of the intron before coding-DNA position 922, G replaced by A.
Molecular consequence: splice acceptor variant.
Genome position (GRCh38, 1-based): chr11:2,583,434, G>A. VCF-style: chr11-2583434-G-A. GRCh37 (hg19) VCF-style: chr11-2604664-G-A.
Other names: c.652-1G>A (NM_001406837.1); c.922-1G>A (NM_001406836.1); c.478-1G>A (NM_001406838.1); c.541-1G>A (NM_181798.2).
Identifiers: ClinVar variation 372568 (VCV000372568.6), dbSNP rs387906290, ClinGen allele CA16042741.